The following is an entry in ClinVar:

ClinVar aggregate classification (germline): Uncertain significance (1 of 4 stars; one submission).

Conditions:
Inborn genetic diseases. Identifiers: MedGen C0950123, MeSH D030342.

Allele frequency attached by ClinVar (database versions not stated): TOPMed below 0.00001; gnomAD 0.00001; gnomAD exomes 0.00001.
gnomAD v4.1: 11 of 1,613,566 alleles (0.00068%); highest among the groups gnomAD compares: Middle Eastern, 0.016%; no homozygotes.

Submission:

Ambry Genetics
Classification: Uncertain significance for Inborn genetic diseases. Last evaluated: 2021-03-12. Review status: criteria provided, single submitter. Criteria: Ambry Variant Classification Scheme 2023. Collection method: clinical testing. Allele origin: germline.
Comment: The p.C5533Y variant (also known as c.16598G>A), located in coding exon 95 of the DST gene, results from a G to A substitution at nucleotide position 16598. The cysteine at codon 5533 is replaced by tyrosine, an amino acid with highly dissimilar properties. This amino acid position is not well conserved in available vertebrate species. In addition, this alteration is predicted to be tolerated by in silico analysis. Since supporting evidence is limited at this time, the clinical significance of this alteration remains unclear.

NM_001374736.1(DST):c.23027G>A (p.Cys7676Tyr)

Gene: DST (dystonin; minus strand). Cytogenetic location: 6p12.1.
Variant type: single nucleotide variant.
Coding change: c.23027G>A on transcript NM_001374736.1 (MANE Select); coding-DNA position 23027, G replaced by A.
Protein change: p.Cys7676Tyr; replaces cysteine 7676 with tyrosine.
Molecular consequence: missense variant. On other transcripts: intron variant (2).
Genome position (GRCh38, 1-based): chr6:56,463,089, C>T on the plus strand (G>A on the coding strand, the complement: DST is on the minus strand). VCF-style: chr6-56463089-C-T. GRCh37 (hg19) VCF-style: chr6-56327887-C-T.
Other names: c.16598G>A, p.Cys5533Tyr (NM_001144769.5); c.16184G>A, p.Cys5395Tyr (NM_001144770.2); c.22955G>A, p.Cys7652Tyr (NM_001374722.1); c.22982G>A, p.Cys7661Tyr (NM_001374734.1); c.16046G>A, p.Cys5349Tyr (NM_001386100.1); c.15086G>A, p.Cys5029Tyr (NM_015548.5); c.16064G>A, p.Cys5355Tyr (NM_183380.4); c.15741+476G>A (NM_001374730.1); and 1 more; short protein forms C5355Y, C5533Y, C5029Y, C5349Y, C7661Y, C7676Y, C7652Y, C5395Y.
Identifiers: ClinVar variation 1777405 (VCV001777405.2), dbSNP rs867730919, ClinGen allele CA139164492.